The following is an entry in ClinVar:

NM_000255.4(MMUT):c.*1326G>A

Gene: MMUT (methylmalonyl-CoA mutase; minus strand). Cytogenetic location: 6p12.3.
Variant type: single nucleotide variant.
Coding change: c.*1326G>A on transcript NM_000255.4 (MANE Select); 1326 bases downstream of the stop codon, G replaced by A.
Molecular consequence: 3 prime UTR variant.
Genome position (GRCh38, 1-based): chr6:49,430,402, C>T on the plus strand (G>A on the coding strand, the complement: MMUT is on the minus strand). VCF-style: chr6-49430402-C-T. GRCh37 (hg19) VCF-style: chr6-49398115-C-T.
Identifiers: ClinVar variation 357235 (VCV000357235.5), dbSNP rs9381784, ClinGen allele CA10622328.

ClinVar aggregate classification (germline): Benign (1 of 4 stars; one submission).

Conditions:
Methylmalonic aciduria due to methylmalonyl-CoA mutase deficiency (MAMM). Also called: Methylmalonic aciduria, mut type. Identifiers: Orphanet 27, MedGen C1855114, MONDO:0009612, OMIM 251000.

Allele frequency attached by ClinVar (database versions not stated): gnomAD 0.29445 and 0.30229; TOPMed 0.30832; 1000 Genomes Project 30x 0.32386; 1000 Genomes Project 0.32927; gnomAD exomes 0.33333.
gnomAD v4.1: 46,082 of 151,956 alleles (30%); highest among the groups gnomAD compares: East Asian, 54%; 8,955 homozygotes.

Submission:

Illumina Laboratory Services, Illumina
Classification: Benign for Methylmalonic aciduria due to methylmalonyl-CoA mutase deficiency. Last evaluated: 2018-01-13. Review status: criteria provided, single submitter. Criteria: ICSL Variant Classification Criteria 13 December 2019. Collection method: clinical testing. Allele origin: germline.
Comment: This variant was observed in the ICSL laboratory as part of a predisposition screen in an ostensibly healthy population. It had not been previously curated by ICSL or reported in the Human Gene Mutation Database (HGMD: prior to June 1st, 2018), and was therefore a candidate for classification through an automated scoring system. Utilizing variant allele frequency, disease prevalence and penetrance estimates, and inheritance mode, an automated score was calculated to assess if this variant is too frequent to cause the disease. Based on the score and internal cut-off values, a variant classified as benign is not then subjected to further curation. The score for this variant resulted in a classification of benign for this disease.